The following is an entry in ClinVar:

NM_004360.5(CDH1):c.2003A>G (p.Lys668Arg)

Gene: CDH1 (cadherin 1; plus strand). Cytogenetic location: 16q22.1.
Variant type: single nucleotide variant.
Coding change: c.2003A>G on transcript NM_004360.5 (MANE Select); coding-DNA position 2003, A replaced by G.
Protein change: p.Lys668Arg; replaces lysine 668 with arginine.
Molecular consequence: missense variant.
Genome position (GRCh38, 1-based): chr16:68,823,465, A>G. VCF-style: chr16-68823465-A-G. GRCh37 (hg19) VCF-style: chr16-68857368-A-G.
Other names: c.1820A>G, p.Lys607Arg (NM_001317184.2); c.455A>G, p.Lys152Arg (NM_001317185.2); c.38A>G, p.Lys13Arg (NM_001317186.2); short protein forms K13R, K152R, K607R, K668R.
Identifiers: ClinVar variation 1715964 (VCV001715964.6), dbSNP rs2152139365, ClinGen allele CA396467643.
Genomic context (GRCh38, chr16:68,823,465, plus strand): 5'-AATCTATCATTTTGAAGCCAAAGATGGCCTTAGAGGTGGGTGACTACAAAATCAATCTCA[A>G]GCTCATGGATAACCAGAATAAAGACCAAGTGACCACCTTAGAGGTCAGCGTGTGTGACTG-3'
Protein context (NP_004351.1, residues 658-678): LEVGDYKINL[Lys668Arg]LMDNQNKDQV

ClinVar aggregate classification (germline): Uncertain significance (1 of 4 stars; one submission).

Conditions:
Hereditary diffuse gastric adenocarcinoma (HDGC). Also called: DIFFUSE GASTRIC AND LOBULAR BREAST CANCER SYNDROME. Identifiers: Orphanet 26106, MedGen C1708349, MONDO:0007648, OMIM 137215.

Submission:

Labcorp Genetics (formerly Invitae), Labcorp
Classification: Uncertain significance for Hereditary diffuse gastric adenocarcinoma. Last evaluated: 2022-08-09. Review status: criteria provided, single submitter. Criteria: Invitae Variant Classification Sherloc (09022015). Collection method: clinical testing. Allele origin: germline.
Comment: This sequence change replaces lysine, which is basic and polar, with arginine, which is basic and polar, at codon 668 of the CDH1 protein (p.Lys668Arg). In summary, the available evidence is currently insufficient to determine the role of this variant in disease. Therefore, it has been classified as a Variant of Uncertain Significance. Algorithms developed to predict the effect of missense changes on protein structure and function output the following: SIFT: "Tolerated"; PolyPhen-2: "Benign"; Align-GVGD: "Class C0". The arginine amino acid residue is found in multiple mammalian species, which suggests that this missense change does not adversely affect protein function. This variant has not been reported in the literature in individuals affected with CDH1-related conditions. This variant is not present in population databases (gnomAD no frequency).